The following is an entry in ClinVar:

NM_001243279.3(ACSF3):c.357C>T (p.Gly119=)

Gene: ACSF3 (acyl-CoA synthetase family member 3; plus strand). Cytogenetic location: 16q24.3.
Variant type: single nucleotide variant.
Coding change: c.357C>T on transcript NM_001243279.3 (MANE Select); coding-DNA position 357, C replaced by T.
Protein change: p.Gly119=; no amino-acid change (glycine 119 retained).
Molecular consequence: synonymous variant. On other transcripts: non-coding transcript variant (3), intron variant (1).
Genome position (GRCh38, 1-based): chr16:89,101,038, C>T. VCF-style: chr16-89101038-C-T. GRCh37 (hg19) VCF-style: chr16-89167446-C-T.
Other names: c.357C>T, p.Gly119= (NM_001127214.4, NM_174917.5); c.-129-1566C>T (NM_001284316.2).
Identifiers: ClinVar variation 682113 (VCV000682113.9), dbSNP rs182147718, ClinGen allele CA8237626.
Genomic context (GRCh38, chr16:89,101,038, plus strand): 5'-CTTCCTATGCGCTAACGATGCCTCCTACGTCGTGGCCCAGTGGGCGTCATGGATGAGTGG[C>T]GGTGTGGCAGTCCCCCTCTACAGGAAGCATCCCGCGGCCCAGCTGGAGTATGTCATCTGC-3'
Protein context (NP_001230208.1, residues 109-129): VVAQWASWMS[Gly119=]GVAVPLYRKH

ClinVar aggregate classification (germline): Likely benign. Review status: criteria provided, multiple submitters, no conflicts (2 of 4 stars). 3 submissions from 3 submitters: Likely benign (2). 1 of the submissions does not count toward it. Last evaluated 2024-04-01.

Conditions:
Combined malonic and methylmalonic acidemia. Identifiers: Orphanet 289504, MedGen C3280314, MONDO:0013661, OMIM 614265.
Methylmalonic acidemia (MMA). Also called: Isolated Methylmalonic Acidemia. Identifiers: MedGen C0268583, MeSH C537358, MONDO:0002012, HP:0002912.

Allele frequency attached by ClinVar (database versions not stated): gnomAD 0.00001 and 0.00003; gnomAD exomes 0.00002; ExAC 0.00003; TOPMed 0.00004; ESP Exome Variant Server 0.00008; 1000 Genomes Project 30x 0.00016; 1000 Genomes Project 0.00020.
gnomAD v4.1: 27 of 1,613,892 alleles (0.0017%); highest among the groups gnomAD compares: African/African-American, 0.0067%; no homozygotes.

Submissions (3):

Labcorp Genetics (formerly Invitae), Labcorp
Classification: Likely benign for Combined malonic and methylmalonic acidemia. Last evaluated: 2024-04-01. Review status: criteria provided, single submitter. Criteria: Invitae Variant Classification Sherloc (09022015). Collection method: clinical testing. Allele origin: germline.

GeneDx
Classification: Likely benign. Last evaluated: 2018-04-23. Review status: criteria provided, single submitter. Criteria: GeneDx Variant Classification (06012015). Collection method: clinical testing. Allele origin: germline. Affected: yes.
Comment: This variant is considered likely benign or benign based on one or more of the following criteria: it is a conservative change, it occurs at a poorly conserved position in the protein, it is predicted to be benign by multiple in silico algorithms, and/or has population frequency not consistent with disease.

Natera, Inc.
Classification: Uncertain significance for Methylmalonic acidemia. Last evaluated: 2020-09-08. Review status: no assertion criteria provided. Collection method: clinical testing. Allele origin: germline. Not counted in ClinVar's aggregate classification.